The following is an entry in ClinVar:

NM_024642.5(GALNT12):c.347G>C (p.Arg116Pro)

Gene: GALNT12 (polypeptide N-acetylgalactosaminyltransferase 12; plus strand). Cytogenetic location: 9q22.33.
Variant type: single nucleotide variant.
Coding change: c.347G>C on transcript NM_024642.5 (MANE Select); coding-DNA position 347, G replaced by C.
Protein change: p.Arg116Pro; replaces arginine 116 with proline.
Molecular consequence: missense variant.
Genome position (GRCh38, 1-based): chr9:98,808,045, G>C. VCF-style: chr9-98808045-G-C. GRCh37 (hg19) VCF-style: chr9-101570327-G-C.
Other names: short protein forms R116P.
Identifiers: ClinVar variation 5022156 (VCV005022156.1).
Genomic context (GRCh38, chr9:98,808,045, plus strand): 5'-AGAGCGTGCGGCTGCACCAGATTAACATCTACCTCAGCGACCGCATCTCACTGCACCGCC[G>C]CCTGCCCGAGCGCTGGAACCCGCTGTGAGTGCACAGCTCTGGGGAGGAAGCCCGCCCTCA-3'
Protein context (NP_078918.3, residues 106-126): YLSDRISLHR[Arg116Pro]LPERWNPLCK

ClinVar aggregate classification (germline): Uncertain significance (1 of 4 stars; one submission).

gnomAD v4.1: 8 of 1,580,566 alleles (0.00051%); highest among the groups gnomAD compares: South Asian, 0.0069%; no homozygotes.

Submission:

Ambry Genetics
Classification: Uncertain significance. Last evaluated: 2026-09-06. Review status: criteria provided, single submitter. Criteria: Ambry Variant Classification Scheme 2023. Collection method: clinical testing. Allele origin: germline.
Comment: The p.R116P variant (also known as c.347G>C), located in coding exon 1 of the GALNT12 gene, results from a G to C substitution at nucleotide position 347. The arginine at codon 116 is replaced by proline, an amino acid with dissimilar properties. This amino acid position is conserved. In addition, the in silico prediction for this alteration is inconclusive. Based on the available evidence, the clinical significance of this variant remains unclear.